The following is an entry in ClinVar:

ClinVar aggregate classification (germline): Uncertain significance. Review status: criteria provided, single submitter (1 of 4 stars). 2 submissions from 2 submitters: Uncertain significance (1). 1 of the submissions does not count toward it. Last evaluated 2024-07-30.

Conditions:
UBA1-related disorder. Also called: UBA1-related condition.
Infantile-onset X-linked spinal muscular atrophy. Also called: SPINAL MUSCULAR ATROPHY, X-LINKED LETHAL INFANTILE; Spinal muscular atrophy, X-linked 2; AMC, DISTAL, X-LINKED; ARTHROGRYPOSIS, X-LINKED, TYPE I; Spinal Muscular Atrophy, X-Linked Infantile. Identifiers: Orphanet 1145, MedGen C1844934, MONDO:0010532, OMIM 301830.

gnomAD v4.1: 2 of 1,209,695 alleles (0.00017%); highest among the groups gnomAD compares: Admixed American, 0.0022%; no homozygotes.

Submissions (2):

Labcorp Genetics (formerly Invitae), Labcorp
Classification: Uncertain significance for Infantile-onset X-linked spinal muscular atrophy. Last evaluated: 2024-07-30. Review status: criteria provided, single submitter. Criteria: Invitae Variant Classification Sherloc (09022015). Collection method: clinical testing. Allele origin: germline.
Comment: This sequence change replaces proline, which is neutral and non-polar, with arginine, which is basic and polar, at codon 326 of the UBA1 protein (p.Pro326Arg). This variant is present in population databases (rs782052714, gnomAD 0.008%). This variant has not been reported in the literature in individuals affected with UBA1-related conditions. An algorithm developed to predict the effect of missense changes on protein structure and function (PolyPhen-2) suggests that this variant is likely to be disruptive. In summary, the available evidence is currently insufficient to determine the role of this variant in disease. Therefore, it has been classified as a Variant of Uncertain Significance.

PreventionGenetics, part of Exact Sciences
Classification: Uncertain significance for UBA1-related condition. Last evaluated: 2024-05-26. Review status: no assertion criteria provided. Collection method: clinical testing. Allele origin: germline. Not counted in ClinVar's aggregate classification.
Comment: The UBA1 c.977C>G variant is predicted to result in the amino acid substitution p.Pro326Arg. To our knowledge, this variant has not been reported in the literature. This variant is reported in 0.0037% of alleles in individuals of Latino descent in gnomAD. At this time, the clinical significance of this variant is uncertain due to the absence of conclusive functional and genetic evidence.

NM_003334.4(UBA1):c.977C>G (p.Pro326Arg)

Gene: UBA1 (ubiquitin like modifier activating enzyme 1; plus strand). Cytogenetic location: Xp11.3.
Variant type: single nucleotide variant.
Coding change: c.977C>G on transcript NM_003334.4 (MANE Select); coding-DNA position 977, C replaced by G.
Protein change: p.Pro326Arg; replaces proline 326 with arginine.
Molecular consequence: missense variant.
Genome position (GRCh38, 1-based): chrX:47,202,425, C>G. VCF-style: chrX-47202425-C-G. GRCh37 (hg19) VCF-style: chrX-47061824-C-G.
Other names: c.977C>G, p.Pro326Arg (NM_153280.3); short protein forms P326R.
Identifiers: ClinVar variation 3350937 (VCV003350937.3).
Genomic context (GRCh38, chrX:47,202,425, plus strand): 5'-TGGTGGCCTCACTGGCAGAACCTGACTTTGTGGTGACGGACTTCGCCAAGTTTTCTCGCC[C>G]TGCCCAGCTGCACATTGGCTTCCAGGCCCTGCACCAGTTCTGTGCTCAGCATGGCCGGCC-3'
Protein context (NP_003325.2, residues 316-336): VVTDFAKFSR[Pro326Arg]AQLHIGFQAL